The following is an entry in ClinVar:

NM_000441.2(SLC26A4):c.537_538delinsC (p.Ala180fs)

Gene: SLC26A4 (solute carrier family 26 member 4; plus strand). Cytogenetic location: 7q22.3.
Variant type: Indel.
Coding change: c.537_538delinsC on transcript NM_000441.2 (MANE Select); coding-DNA positions 537 to 538, AG replaced by C.
Protein change: p.Ala180fs; shifts the reading frame from alanine 180.
Molecular consequence: frameshift variant.
Genome position (GRCh38, 1-based): chr7:107,674,285-107,674,286, AG replaced by C. VCF-style: chr7-107674285-AG-C. GRCh37 (hg19) VCF-style: chr7-107314730-AG-C.
Other names: short protein forms A180fs.
Identifiers: ClinVar variation 817026 (VCV000817026.1), dbSNP rs1584306754, ClinGen allele CA915945412.

ClinVar aggregate classification (germline): Likely pathogenic (1 of 4 stars; one submission).

Submission:

GeneDx
Classification: Likely pathogenic. Last evaluated: 2019-02-12. Review status: criteria provided, single submitter. Criteria: GeneDx Variant Classification (06012015). Collection method: clinical testing. Allele origin: germline. Affected: yes.
Comment: The c.537_538delAGinsC variant has not been published as a pathogenic variant, nor has it been reported as a benign variant to our knowledge. The variant is not observed in large population cohorts (Lek et al., 2016). It causes a frameshift starting with codon Alanine 180, changes this amino acid to a Leucine residue and creates a premature Stop codon at position 8 of the new reading frame, denoted p.Ala180LeufsX8. This variant is predicted to cause loss of normal protein function either through protein truncation or nonsense-mediated mRNA decay. We interpret this variant as likely pathogenic.